The following is an entry in ClinVar:

NM_025137.4(SPG11):c.5121+8C>T

Gene: SPG11 (SPG11 vesicle trafficking associated, spatacsin; minus strand). Cytogenetic location: 15q21.1.
Variant type: single nucleotide variant.
Coding change: c.5121+8C>T on transcript NM_025137.4 (MANE Select); 8 bases into the intron after coding-DNA position 5121, C replaced by T.
Molecular consequence: intron variant.
Genome position (GRCh38, 1-based): chr15:44,585,628, G>A on the plus strand (C>T on the coding strand, the complement: SPG11 is on the minus strand). VCF-style: chr15-44585628-G-A. GRCh37 (hg19) VCF-style: chr15-44877826-G-A.
Other names: c.5121+8C>T (NM_001160227.2, NM_025137.3).
Identifiers: ClinVar variation 1556358 (VCV001556358.9), dbSNP rs779071284, ClinGen allele CA270081563.

ClinVar aggregate classification (germline): Likely benign. Review status: criteria provided, single submitter (1 of 4 stars). 2 submissions from 2 submitters: Likely benign (1). 1 of the submissions does not count toward it. Last evaluated 2025-09-14.

Conditions:
SPG11-related disorder. Also called: SPG11-related condition.
Hereditary spastic paraplegia 11. Also called: Nakamura Osame syndrome; Autosomal recessive hereditary spastic paraplegia, mental impairment, and thin corpus callosum; Spastic paraplegia, mental retardation and thin corpus callosum; SPASTIC PARAPLEGIA, AUTOSOMAL RECESSIVE, COMPLICATED, WITH THIN CORPUS CALLOSUM; SPASTIC PARAPLEGIA, AUTOSOMAL RECESSIVE, WITH MENTAL IMPAIRMENT AND THIN CORPUS CALLOSUM; Spastic Paraplegia 11. Identifiers: Orphanet 2822, MedGen C1858479, MONDO:0011445, OMIM 604360.

Allele frequency attached by ClinVar (database versions not stated): gnomAD exomes 0.00003.

Submissions (2):

Labcorp Genetics (formerly Invitae), Labcorp
Classification: Likely benign for Hereditary spastic paraplegia 11. Last evaluated: 2025-09-14. Review status: criteria provided, single submitter. Criteria: Invitae Variant Classification Sherloc (09022015). Collection method: clinical testing. Allele origin: germline.

PreventionGenetics, part of Exact Sciences
Classification: Likely benign for SPG11-related condition. Last evaluated: 2024-07-03. Review status: no assertion criteria provided. Collection method: clinical testing. Allele origin: germline. Not counted in ClinVar's aggregate classification.
Comment: This variant is classified as likely benign based on ACMG/AMP sequence variant interpretation guidelines (Richards et al. 2015 PMID: 25741868, with internal and published modifications).